The following is an entry in ClinVar:

ClinVar aggregate classification (germline): Conflicting classifications of pathogenicity. Review status: criteria provided, conflicting classifications (1 of 4 stars). 5 submissions from 5 submitters: Uncertain significance (2); Likely benign (1). 2 of the submissions do not count toward it. Last evaluated 2025-11-03.

Conditions:
Hereditary cancer-predisposing syndrome. Also called: Tumor predisposition; Neoplastic Syndromes, Hereditary; Hereditary Cancer Syndrome; Hereditary neoplastic syndrome. Identifiers: Orphanet 140162, MedGen C0027672, MeSH D009386, MONDO:0015356.
Breast-ovarian cancer, familial, susceptibility to, 1 (BROVCA1). Also called: OVARIAN CANCER, SUSCEPTIBILITY TO; BRCA1 Hereditary Breast and Ovarian Cancer. Identifiers: Orphanet 145, MedGen C2676676, MONDO:0011450, OMIM 604370. Disease mechanism: loss of function.

Allele frequency attached by ClinVar (database versions not stated): gnomAD exomes below 0.00001.
gnomAD v4.1: 4 of 1,613,810 alleles (0.00025%); highest among the groups gnomAD compares: Non-Finnish European, 0.00034%; no homozygotes.

Submissions (5):

Ambry Genetics
Classification: Uncertain significance for Hereditary cancer-predisposing syndrome. Last evaluated: 2025-11-03. Review status: criteria provided, single submitter. Criteria: Ambry Variant Classification Scheme 2023. Collection method: clinical testing. Allele origin: germline.
Comment: The p.A1070G variant (also known as c.3209C>G), located in coding exon 9 of the BRCA1 gene, results from a C to G substitution at nucleotide position 3209. The alanine at codon 1070 is replaced by glycine, an amino acid with similar properties. This variant was also observed in 1/3251 individuals who met eligibility criteria for hereditary breast and ovarian cancer syndrome (Lerner-Ellis J et al. J Cancer Res Clin Oncol, 2021 Mar;147:871-879). This amino acid position is not well conserved in available vertebrate species. In addition, this alteration is predicted to be tolerated by in silico analysis. Since supporting evidence is limited at this time, the clinical significance of this alteration remains unclear.

Center for Genomic Medicine, Rigshospitalet, Copenhagen University Hospital
Classification: Uncertain significance. Last evaluated: 2025-03-04. Review status: criteria provided, single submitter. Criteria: ACMG Guidelines, 2015. Collection method: clinical testing. Allele origin: germline.

University of Washington Department of Laboratory Medicine, University of Washington
Classification: Likely benign for Hereditary cancer-predisposing syndrome. Last evaluated: 2023-03-23. Review status: criteria provided, single submitter. Criteria: Dines et al. (Genet Med. 2020). Collection method: curation. Allele origin: germline.
Comment: Missense variant in a coldspot region where missense variants are very unlikely to be pathogenic (PMID:31911673).

BRCA1 coldspot (exon 11 using historical exon numbering). Reclassification based on statistical prior probability

Sharing Clinical Reports Project (SCRP)
Classification: Uncertain significance for Breast-ovarian cancer, familial 1. Last evaluated: 2010-10-27. Review status: no assertion criteria provided. Collection method: clinical testing. Allele origin: germline. Not counted in ClinVar's aggregate classification.

Department of Pathology and Laboratory Medicine, Sinai Health System
Classification: Uncertain significance. Review status: no assertion criteria provided. Collection method: clinical testing. Allele origin: unknown. Affected: yes. Observed: 1 variant allele. Study: The Canadian Open Genetics Repository (COGR). Not counted in ClinVar's aggregate classification.
Comment: The BRCA1 p.Ala1070Gly variant was not identified in the literature nor was it identified in the LOVD 3.0 or UMD-LSDB databases. The variant was identified in dbSNP (ID: rs397507212) â€šÃ„ÃºWith Uncertain significance alleleâ€šÃ„Ã¹ and ClinVar (classified as uncertain significance by Sharing Clinical Reports Project). The variant was not identified in the following control databases: the Exome Aggregation Consortium (August 8th 2016) or the Genome Aggregation Database (Feb 27, 2017). The p.Ala1070 residue is not conserved in mammals and computational analyses (PolyPhen-2, SIFT, AlignGVGD, BLOSUM, MutationTaster) do not suggest a high likelihood of impact of the variant Gly to the protein; this information is not predictive enough to rule out pathogenicity. The variant occurs outside of the splicing consensus sequence and in silico or computational prediction software programs (SpliceSiteFinder, MaxEntScan, NNSPLICE, GeneSplicer) do not predict a difference in splicing. In summary, based on the above information, the clinical significance of this variant cannot be determined with certainty at this time. This variant is classified as a variant of uncertain significance.

Literature cited by the submitters: PubMed 32885271 (cited by Ambry Genetics).

NM_007294.4(BRCA1):c.3209C>G (p.Ala1070Gly)

Gene: BRCA1 (BRCA1 DNA repair associated; minus strand). Cytogenetic location: 17q21.31.
Variant type: single nucleotide variant.
Coding change: c.3209C>G on transcript NM_007294.4 (MANE Select); coding-DNA position 3209, C replaced by G.
Protein change: p.Ala1070Gly; replaces alanine 1070 with glycine.
Molecular consequence: missense variant. On other transcripts: intron variant (137).
Genome position (GRCh38, 1-based): chr17:43,092,322, G>C on the plus strand (C>G on the coding strand, the complement: BRCA1 is on the minus strand). VCF-style: chr17-43092322-G-C. GRCh37 (hg19) VCF-style: chr17-41244339-G-C.
Other names: 3328C>G; c.3065C>G, p.Ala1022Gly (NM_001407748.1, NM_001407749.1, NM_001407838.1 and 20 more transcripts); c.3068C>G, p.Ala1023Gly (NM_001407750.1, NM_001407751.1, NM_001407752.1 and 29 more transcripts); c.2996C>G, p.Ala999Gly (NM_001407853.1, NM_001407894.1, NM_001407895.1 and 9 more transcripts); c.3209C>G, p.Ala1070Gly (NM_001407854.1, NM_001407858.1, NM_001407859.1 and 30 more transcripts); c.3206C>G, p.Ala1069Gly (NM_001407860.1, NM_001407861.1, NM_001407587.1 and 22 more transcripts); c.3008C>G, p.Ala1003Gly (NM_001407862.1); c.3086C>G, p.Ala1029Gly (NM_001407863.1, NM_001407919.1, NM_001407937.1 and 19 more transcripts); and 42 more; short protein forms A1070G, A1023G, A1029G, A1044G, A999G, A1002G, A1069G, A942G.
Identifiers: ClinVar variation 37515 (VCV000037515.16), dbSNP rs397507212, ClinGen allele CA002082.